The following is an entry in ClinVar:

ClinVar aggregate classification (germline): Uncertain significance. Review status: criteria provided, multiple submitters, no conflicts (2 of 4 stars). 4 submissions from 4 submitters: Uncertain significance (4). Last evaluated 2025-04-03.

Conditions:
ANKLE2-related disorder. Also called: ANKLE2-related condition.
Inborn genetic diseases. Identifiers: MedGen C0950123, MeSH D030342.

Allele frequency attached by ClinVar (database versions not stated): gnomAD 0.00073 and 0.00066; gnomAD exomes 0.00005 and 0.00008; ExAC 0.00018; ESP Exome Variant Server 0.00024; 1000 Genomes Project 30x 0.00031; TOPMed 0.00070.
gnomAD v4.1: 179 of 1,561,590 alleles (0.011%); highest among the groups gnomAD compares: African/African-American, 0.21%; 1 homozygote.

Submissions (4):

PreventionGenetics, part of Exact Sciences
Classification: Uncertain significance for ANKLE2-related condition. Last evaluated: 2025-04-03. Review status: criteria provided, single submitter. Criteria: ACMG Guidelines, 2015. Collection method: clinical testing. Allele origin: germline.
Comment: The ANKLE2 c.2681G>A variant is predicted to result in the amino acid substitution p.Ser894Asn. To our knowledge, this variant has not been reported in the literature. This variant is reported in 0.19% of alleles in individuals of African descent in gnomAD, which may be too common to be causative. Although we suspect that this variant may be benign, at this time, the clinical significance of this variant is uncertain due to the absence of conclusive functional and genetic evidence.

Blueprint Genetics
Classification: Uncertain significance. Last evaluated: 2023-04-27. Review status: criteria provided, single submitter. Criteria: ACMG Guidelines, 2015. Collection method: clinical testing. Allele origin: germline.

GeneDx
Classification: Uncertain significance. Last evaluated: 2022-02-09. Review status: criteria provided, single submitter. Criteria: GeneDx Variant Classification Process June 2021. Collection method: clinical testing. Allele origin: germline. Affected: yes.
Comment: In silico analysis supports that this missense variant does not alter protein structure/function; Has not been previously published as pathogenic or benign to our knowledge

Ambry Genetics
Classification: Uncertain significance for Inborn genetic diseases. Last evaluated: 2021-07-14. Review status: criteria provided, single submitter. Criteria: Ambry Variant Classification Scheme 2023. Collection method: clinical testing. Allele origin: germline.

NM_015114.3(ANKLE2):c.2681G>A (p.Ser894Asn)

Gene: ANKLE2 (ankyrin repeat and LEM domain containing 2; minus strand). Cytogenetic location: 12q24.33.
Variant type: single nucleotide variant.
Coding change: c.2681G>A on transcript NM_015114.3 (MANE Select); coding-DNA position 2681, G replaced by A.
Protein change: p.Ser894Asn; replaces serine 894 with asparagine.
Molecular consequence: missense variant.
Genome position (GRCh38, 1-based): chr12:132,727,378, C>T on the plus strand (G>A on the coding strand, the complement: ANKLE2 is on the minus strand). VCF-style: chr12-132727378-C-T. GRCh37 (hg19) VCF-style: chr12-133303964-C-T.
Other names: c.2681G>A (NM_015114.1); short protein forms S894N.
Identifiers: ClinVar variation 1341648 (VCV001341648.6), dbSNP rs375915843, ClinGen allele CA6895127.